The following is an entry in ClinVar:

NM_031935.3(HMCN1):c.514A>T (p.Thr172Ser)

Gene: HMCN1 (hemicentin 1; plus strand). Cytogenetic location: 1q31.1.
Variant type: single nucleotide variant.
Coding change: c.514A>T on transcript NM_031935.3 (MANE Select); coding-DNA position 514, A replaced by T.
Protein change: p.Thr172Ser; replaces threonine 172 with serine.
Molecular consequence: missense variant.
Genome position (GRCh38, 1-based): chr1:185,865,756, A>T. VCF-style: chr1-185865756-A-T. GRCh37 (hg19) VCF-style: chr1-185834888-A-T.
Other names: short protein forms T172S.
Identifiers: ClinVar variation 1378826 (VCV001378826.6), dbSNP rs2102358412, ClinGen allele CA343867021.

ClinVar aggregate classification (germline): Uncertain significance (1 of 4 stars; one submission).

Submission:

Labcorp Genetics (formerly Invitae), Labcorp
Classification: Uncertain significance. Last evaluated: 2023-11-06. Review status: criteria provided, single submitter. Criteria: Invitae Variant Classification Sherloc (09022015). Collection method: clinical testing. Allele origin: germline.
Comment: This sequence change replaces threonine, which is neutral and polar, with serine, which is neutral and polar, at codon 172 of the HMCN1 protein (p.Thr172Ser). This variant is not present in population databases (gnomAD no frequency). This variant has not been reported in the literature in individuals affected with HMCN1-related conditions. ClinVar contains an entry for this variant (Variation ID: 1378826). An algorithm developed to predict the effect of missense changes on protein structure and function (PolyPhen-2) suggests that this variant is likely to be disruptive. In summary, the available evidence is currently insufficient to determine the role of this variant in disease. Therefore, it has been classified as a Variant of Uncertain Significance.